The following is an entry in ClinVar:

ClinVar aggregate classification (germline): Uncertain significance (1 of 4 stars; one submission).

Conditions:
Congenital glucose-galactose malabsorption (GGM). Also called: MONOSACCHARIDE MALABSORPTION; DIARRHEA 16. Identifiers: Orphanet 35710, MedGen C0268186, MONDO:0011731, OMIM 606824.

gnomAD v4.1: 3 of 1,614,018 alleles (0.00019%); highest among the groups gnomAD compares: Non-Finnish European, 0.00025%; no homozygotes.

Submission:

3billion
Classification: Uncertain significance for Congenital glucose-galactose malabsorption. Last evaluated: 2024-06-22. Review status: criteria provided, single submitter. Criteria: ACMG Guidelines, 2015. Collection method: clinical testing. Allele origin: germline. Affected: yes.
Comment: The variant is observed at an extremely low frequency in the gnomAD v4.0.0 dataset (total allele frequency: <0.001%). Predicted Consequence/Location: Missense variant In silico tool predictions suggest damaging effect of the variant on gene or gene product [REVEL: 0.78 (>=0.6, sensitivity 0.68 and specificity 0.92)]. Therefore, this variant is classified as VUS according to the recommendation of ACMG/AMP guideline.

NM_000343.4(SLC5A1):c.1066G>T (p.Gly356Cys)

Gene: SLC5A1 (solute carrier family 5 member 1; plus strand). Cytogenetic location: 22q12.3.
Variant type: single nucleotide variant.
Coding change: c.1066G>T on transcript NM_000343.4 (MANE Select); coding-DNA position 1066, G replaced by T.
Protein change: p.Gly356Cys; replaces glycine 356 with cysteine.
Molecular consequence: missense variant.
Genome position (GRCh38, 1-based): chr22:32,086,264, G>T. VCF-style: chr22-32086264-G-T. GRCh37 (hg19) VCF-style: chr22-32482251-G-T.
Other names: c.685G>T, p.Gly229Cys (NM_001256314.2); short protein forms G229C, G356C.
Identifiers: ClinVar variation 4293085 (VCV004293085.1).
Genomic context (GRCh38, chr22:32,086,264, plus strand): 5'-CTCCATCTCTTCCCAGAAAAAATTGCCTGTGTCGTCCCTTCAGAATGTGAGAAATATTGC[G>T]GTACCAAGGTTGGCTGTACCAACATCGCCTATCCAACCTTAGTGGTGGAGCTCATGCCCA-3'
Protein context (NP_000334.1, residues 346-366): VVPSECEKYC[Gly356Cys]TKVGCTNIAY